The following is an entry in ClinVar:

ClinVar aggregate classification (germline): Pathogenic (1 of 4 stars; one submission).

Conditions:
Rhabdoid tumor predisposition syndrome 2 (RTPS2). Identifiers: Orphanet 231108, Orphanet 69077, MedGen C2750074, MONDO:0013224, OMIM 613325.

Submission:

Labcorp Genetics (formerly Invitae), Labcorp
Classification: Pathogenic for Rhabdoid tumor predisposition syndrome 2. Last evaluated: 2023-03-07. Review status: criteria provided, single submitter. Criteria: Invitae Variant Classification Sherloc (09022015). Collection method: clinical testing. Allele origin: germline.
Comment: For these reasons, this variant has been classified as Pathogenic. This variant has not been reported in the literature in individuals affected with SMARCA4-related conditions. This variant is not present in population databases (gnomAD no frequency). This sequence change creates a premature translational stop signal (p.Gln1594*) in the SMARCA4 gene. It is expected to result in an absent or disrupted protein product. Loss-of-function variants in SMARCA4 are known to be pathogenic (PMID: 24658001, 24658002).

Literature cited by the submitters: PubMed 24658001; PubMed 24658002.

NM_003072.5(SMARCA4):c.4684C>T (p.Gln1562Ter)

Gene: SMARCA4 (SWI/SNF related BAF chromatin remodeling complex subunit ATPase 4; plus strand). Cytogenetic location: 19p13.2.
Variant type: single nucleotide variant.
Coding change: c.4684C>T on transcript NM_003072.5 (MANE Select); coding-DNA position 4684, C replaced by T.
Protein change: p.Gln1562Ter; replaces glutamine 1562 with a stop codon.
Molecular consequence: nonsense. On other transcripts: non-coding transcript variant (1).
Genome position (GRCh38, 1-based): chr19:11,059,801, C>T. VCF-style: chr19-11059801-C-T. GRCh37 (hg19) VCF-style: chr19-11170477-C-T.
Other names: c.4684C>T, p.Gln1562Ter (NM_001128844.3); c.4594C>T, p.Gln1532Ter (NM_001128845.2); c.4591C>T, p.Gln1531Ter (NM_001128846.2); c.4585C>T, p.Gln1529Ter (NM_001128847.4, NM_001374457.1); c.4582C>T, p.Gln1528Ter (NM_001128848.2); c.4780C>T, p.Gln1594Ter (NM_001128849.3, NM_001387283.1); c.4681C>T, p.Gln1561Ter (NM_001411150.1); short protein forms Q1528*, Q1562*, Q1529*, Q1531*, Q1594*, Q1532*, Q1561*.
Identifiers: ClinVar variation 2843589 (VCV002843589.3), dbSNP rs2147114191, ClinGen allele CA404079336.